The following is an entry in ClinVar:

ClinVar aggregate classification (germline): Uncertain significance (1 of 4 stars; one submission).

Conditions:
Facioscapulohumeral muscular dystrophy 2 (FSHD2). Also called: MUSCULAR DYSTROPHY, FACIOSCAPULOHUMERAL, TYPE 1B; FACIOSCAPULOHUMERAL MUSCULAR DYSTROPHY 2, DIGENIC; FSHD2, DIGENIC. Identifiers: Orphanet 269, MedGen C1834671, MONDO:0008031, OMIM 158901.

gnomAD v4.1: 1 of 1,561,724 alleles (0.000064%); highest among the groups gnomAD compares: South Asian, 0.0012%; no homozygotes.

Submission:

Labcorp Genetics (formerly Invitae), Labcorp
Classification: Uncertain significance for Facioscapulohumeral muscular dystrophy 2. Last evaluated: 2024-05-09. Review status: criteria provided, single submitter. Criteria: Invitae Variant Classification Sherloc (09022015). Collection method: clinical testing. Allele origin: germline.
Comment: This sequence change replaces serine, which is neutral and polar, with tyrosine, which is neutral and polar, at codon 988 of the SMCHD1 protein (p.Ser988Tyr). This variant is not present in population databases (gnomAD no frequency). This variant has not been reported in the literature in individuals affected with SMCHD1-related conditions. Advanced modeling of protein sequence and biophysical properties (such as structural, functional, and spatial information, amino acid conservation, physicochemical variation, residue mobility, and thermodynamic stability) performed at Invitae indicates that this missense variant is not expected to disrupt SMCHD1 protein function with a negative predictive value of 80%. In summary, the available evidence is currently insufficient to determine the role of this variant in disease. Therefore, it has been classified as a Variant of Uncertain Significance.

NM_015295.3(SMCHD1):c.2963C>A (p.Ser988Tyr)

Gene: SMCHD1 (structural maintenance of chromosomes flexible hinge domain containing 1; plus strand). Cytogenetic location: 18p11.32.
Variant type: single nucleotide variant.
Coding change: c.2963C>A on transcript NM_015295.3 (MANE Select); coding-DNA position 2963, C replaced by A.
Protein change: p.Ser988Tyr; replaces serine 988 with tyrosine.
Molecular consequence: missense variant.
Genome position (GRCh38, 1-based): chr18:2,729,324, C>A. VCF-style: chr18-2729324-C-A. GRCh37 (hg19) VCF-style: chr18-2729322-C-A.
Other names: short protein forms S988Y.
Identifiers: ClinVar variation 3650384 (VCV003650384.2).